The following is an entry in ClinVar:

ClinVar aggregate classification (germline): Pathogenic/Likely pathogenic. Review status: criteria provided, multiple submitters, no conflicts (2 of 4 stars). 3 submissions from 3 submitters: Pathogenic (1); Likely pathogenic (1). 1 of the submissions does not count toward it. Last evaluated 2025-08-21.

Conditions:
Hypercalcemia, infantile, 1 (HCINF1). Identifiers: Orphanet 300547, MedGen CN031131, MONDO:0020739, OMIM 143880.

gnomAD v4.1: 26 of 1,613,748 alleles (0.0016%); highest among the groups gnomAD compares: Admixed American, 0.005%; no homozygotes.

Submissions (3):

Labcorp Genetics (formerly Invitae), Labcorp
Classification: Pathogenic. Last evaluated: 2025-08-21. Review status: criteria provided, single submitter. Criteria: Invitae Variant Classification Sherloc (09022015). Collection method: clinical testing. Allele origin: germline.
Comment: This sequence change replaces arginine, which is basic and polar, with glutamine, which is neutral and polar, at codon 159 of the CYP24A1 protein (p.Arg159Gln). This variant is present in population databases (rs387907322, gnomAD 0.009%). This missense change has been observed in individuals with CYP24A1-related conditions (PMID: 21675912, 38504242). ClinVar contains an entry for this variant (Variation ID: 29676). Invitae Evidence Modeling of protein sequence and biophysical properties (such as structural, functional, and spatial information, amino acid conservation, physicochemical variation, residue mobility, and thermodynamic stability) indicates that this missense variant is expected to disrupt CYP24A1 protein function with a positive predictive value of 95%. Experimental studies have shown that this missense change affects CYP24A1 function (PMID: 21675912). This variant disrupts the p.Arg159 amino acid residue in CYP24A1. Other variant(s) that disrupt this residue have been determined to be pathogenic (PMID: 33099630, 34307984; internal data). This suggests that this residue is clinically significant, and that variants that disrupt this residue are likely to be disease-causing. For these reasons, this variant has been classified as Pathogenic.

Fulgent Genetics
Classification: Likely pathogenic for Hypercalcemia, infantile, 1. Last evaluated: 2024-04-03. Review status: criteria provided, single submitter. Criteria: ACMG Guidelines, 2015. Collection method: clinical testing. Allele origin: germline.

OMIM
Classification: Pathogenic for HYPERCALCEMIA, INFANTILE, 1. Last evaluated: 2011-11-03. Review status: no assertion criteria provided. Collection method: literature only. Allele origin: germline. Not counted in ClinVar's aggregate classification.

Literature cited by the submitters: PubMed 21675912 (cited by Labcorp Genetics (formerly Invitae), Labcorp and OMIM); PubMed 38504242 (cited by Labcorp Genetics (formerly Invitae), Labcorp); PubMed 33099630 (cited by Labcorp Genetics (formerly Invitae), Labcorp); PubMed 34307984 (cited by Labcorp Genetics (formerly Invitae), Labcorp); PubMed 22047571 (cited by OMIM).

NM_000782.5(CYP24A1):c.476G>A (p.Arg159Gln)

Gene: CYP24A1 (cytochrome P450 family 24 subfamily A member 1; minus strand). Cytogenetic location: 20q13.2.
Variant type: single nucleotide variant.
Coding change: c.476G>A on transcript NM_000782.5 (MANE Select); coding-DNA position 476, G replaced by A.
Protein change: p.Arg159Gln; replaces arginine 159 with glutamine.
Molecular consequence: missense variant.
Genome position (GRCh38, 1-based): chr20:54,171,644, C>T on the plus strand (G>A on the coding strand, the complement: CYP24A1 is on the minus strand). VCF-style: chr20-54171644-C-T. GRCh37 (hg19) VCF-style: chr20-52788183-C-T.
Other names: c.476G>A, p.Arg159Gln (NM_001128915.2); short protein forms R159Q.
Identifiers: ClinVar variation 29676 (VCV000029676.4), dbSNP rs387907322, ClinGen allele CA130770.